The following is an entry in ClinVar:

ClinVar aggregate classification (germline): Pathogenic/Likely pathogenic. Review status: criteria provided, multiple submitters, no conflicts (2 of 4 stars). 13 submissions from 12 submitters: Pathogenic (11); Likely pathogenic (1). 1 of the submissions does not count toward it. Last evaluated 2026-04-01.

Conditions:
ABCC8-related channelopathies.
Hereditary hyperinsulinism.
Type 2 diabetes mellitus. Also called: Type II diabetes mellitus. Identifiers: MedGen C0011860, MeSH D003924, MONDO:0005148, OMIM 125853, HP:0005978.
Diabetes mellitus, permanent neonatal 3. Also called: ABCC8-Related Permanent Neonatal Diabetes Mellitus. Identifiers: MedGen C5394303, MONDO:0030088, OMIM 618857.
Diabetes mellitus, transient neonatal, 2 (TNDM2). Identifiers: Orphanet 99886, MedGen C1835887, MONDO:0012480, OMIM 610374. Disease mechanism: loss of function.
Hyperinsulinemic hypoglycemia, familial, 1 (HHF1). Also called: HYPERINSULINISM, FAMILIAL, WITH PANCREATIC NESIDIOBLASTOSIS; HYPOGLYCEMIA, HYPERINSULINEMIC, OF INFANCY; NESIDIOBLASTOSIS OF PANCREAS; Persistent hyperinsulinemic hypoglycemia of infancy; Persistent Hyperinsulinemia Hypoglycemia of Infancy. Identifiers: Orphanet 276575, Orphanet 276598, MedGen C2931832, MONDO:0009734, OMIM 256450.
Leucine-induced hypoglycemia (LIH). Also called: LEUCINE-SENSITIVE HYPOGLYCEMIA OF INFANCY. Identifiers: MedGen C0271714, MONDO:0009415, OMIM 240800.
ABCC8-related disorder.
Familial hyperinsulinism. Also called: Congenital hyperinsulinism. Identifiers: Orphanet 276525, MedGen C3888018, MONDO:0017182. Disease mechanism: loss of function.

Allele frequency attached by ClinVar (database versions not stated): TOPMed 0.00001; gnomAD exomes 0.00002; ExAC below 0.00001; gnomAD 0.00001.
gnomAD v4.1: 23 of 1,569,566 alleles (0.0015%); highest among the groups gnomAD compares: East Asian, 0.0047%; no homozygotes.

Submissions 1 to 9 of 13:

GeneDx
Classification: Pathogenic. Last evaluated: 2026-04-01. Review status: criteria provided, single submitter. Criteria: GeneDx Variant Classification Process June 2021. Collection method: clinical testing. Allele origin: germline.
Comment: Reported as a single heterozygous, paternally inherited variant in multiple individuals with congenital hyperinsulinism (PMID: 17236890, 20685672, 23345197, 24616771); Alters the last nucleotide of the exon and is predicted to destroy the splice donor site and result in aberrant splicing, although in the absence of functional evidence the actual effect of this sequence change is unknown; Also known as c.4414 G>A p.D1472N; This variant is associated with the following publications: (PMID: 25525159, 20799350, 20685672, 15562009, 34992182, 30186238, 10720932, 14715863, 24616771, 17378627, 14764815, 18988933, 23345197, 17236890, 30354297, 30352420, 36208030, 36007526, 32170320, 39456122, 33184150, 20427569, 17466004)

Natera, Inc.
Classification: Pathogenic for Hereditary hyperinsulinism. Last evaluated: 2025-11-18. Review status: criteria provided, single submitter. Criteria: Natera Variant Classification Schema (03/2026). Collection method: clinical testing. Allele origin: germline.
Comment: The c.4411G>A variant in ABCC8 is a missense variant predicted to cause substitution of aspartic acid to asparagine at amino acid 1471. This variant is rare in the general population with a frequency below the threshold expected for the associated phenotype(s). This variant has been observed in one or more individuals affected with the associated recessive disease, as either homozygous or compound heterozygous with a second variant (PMID: 30352420, 18988933). Given the available evidence, this variant is classified as Pathogenic.

Rady Children's Institute for Genomic Medicine, Rady Children's Hospital San Diego
Classification: Pathogenic for ABCC8-related channelopathies. Last evaluated: 2025-09-18. Review status: criteria provided, single submitter. Criteria: ACMG Guidelines, 2015. Collection method: clinical testing. Allele origin: germline. Affected: yes.
Comment: This variant is also referred to as c.G4414A (p.D1472N) in the literature. The c.4411G>A (p.Asp1471Asn) variant affects a moderately conserved amino acid and in silico tools used to predict the effect of this variant on protein function yield discordant results. This variant has been previously reported as a heterozygous or compound heterozygous change in patients with hyperinsulinemic hypoglycemia (PMID: 20685672, 30186238, 18988933, 24616771, 14764815, 17378627). Additionally, this variant has been identified in a heterozygous patient with idiopathic pulmonary arterial hypertension (PAH) (PMID: 30354297). A different amino acid change at the same residue (p.Asp1471His) has been previously reported in individuals with hyperinsulinism (PMID: 14715863; described as p.Asp1472His). Functional characterization of the variant demonstrated reduced ATP-sensitive potassium channel function (PMID: 30354297). The c.4411G>A (p.Asp1471Asn) variant is present in the latest version of the gnomAD population database at an allele frequency of 0.001% (23/1569566) and thus is presumed to be rare. Based on the available evidence, c.4411G>A (p.Asp1471Asn) is classified as Pathogenic.

First Genomix Gene Laboratory, Genetic Diagnostics Department
Classification: Pathogenic for Diabetes mellitus, permanent neonatal 3; Hyperinsulinemic hypoglycemia, familial, 1. Last evaluated: 2025-07-08. Review status: criteria provided, single submitter. Criteria: ACMG Guidelines, 2015. Collection method: clinical testing. Allele origin: germline. Inheritance: Autosomal recessive inheritance. Affected: no. Observed: 1 variant allele.

Blueprint Genetics
Classification: Likely pathogenic for ABCC8-related disorders. Last evaluated: 2024-09-13. Review status: criteria provided, single submitter. Criteria: ACMG Guidelines, 2015. Collection method: clinical testing. Allele origin: germline. Affected: yes. Observed: 5 variant alleles.

Fulgent Genetics
Classification: Pathogenic for Type 2 diabetes mellitus; Leucine-induced hypoglycemia; Hyperinsulinemic hypoglycemia, familial, 1; Diabetes mellitus, transient neonatal, 2; Diabetes mellitus, permanent neonatal 3. Last evaluated: 2024-03-02. Review status: criteria provided, single submitter. Criteria: ACMG Guidelines, 2015. Collection method: clinical testing. Allele origin: germline.

Labcorp Genetics (formerly Invitae), Labcorp
Classification: Pathogenic. Last evaluated: 2024-02-25. Review status: criteria provided, single submitter. Criteria: Invitae Variant Classification Sherloc (09022015). Collection method: clinical testing. Allele origin: germline.
Comment: This sequence change replaces aspartic acid, which is acidic and polar, with asparagine, which is neutral and polar, at codon 1471 of the ABCC8 protein (p.Asp1471Asn). The frequency data for this variant in the population databases is considered unreliable, as metrics indicate poor data quality at this position in the gnomAD database. This missense change has been observed in individual(s) with congenital hyperinsulinism (PMID: 17466004, 18988933, 30352420, 30354297). In at least one individual the data is consistent with being in trans (on the opposite chromosome) from a pathogenic variant. This variant is also known as c.G4414A (p.D1472N). ClinVar contains an entry for this variant (Variation ID: 188931). An algorithm developed to predict the effect of missense changes on protein structure and function (PolyPhen-2) suggests that this variant is likely to be tolerated. Experimental studies have shown that this missense change affects ABCC8 function (PMID: 17466004, 30354297). Algorithms developed to predict the effect of sequence changes on RNA splicing suggest that this variant may disrupt the consensus splice site. For these reasons, this variant has been classified as Pathogenic.

Baylor Genetics
Classification: Pathogenic for Type 2 diabetes mellitus. Last evaluated: 2023-10-18. Review status: criteria provided, single submitter. Criteria: ACMG Guidelines, 2015. Collection method: clinical testing. Allele origin: unknown.

Broad Center for Mendelian Genomics, Broad Institute of MIT and Harvard
Classification: Pathogenic for Hyperinsulinemic hypoglycemia, familial, 1. Last evaluated: 2023-08-16. Review status: criteria provided, single submitter. Criteria: ACMG Guidelines, 2015. Collection method: curation. Allele origin: germline. Inheritance: Autosomal recessive inheritance.
Comment: The p.Asp1471Asn variant in ABCC8 has been reported in at least 6 individuals with hyperinsulinemic hypoglycemia (PMID: 20685672, 30186238, 18988933, 24616771, 14764815, 17378627), and has been identified in 0.007% (1/13984) of East Asian chromosomes by the Genome Aggregation Database (gnomAD; dbSNP rs72559716). Although this variant has been seen in the general population in a heterozygous state, its frequency is low enough to be consistent with a recessive carrier frequency. This variant has also been reported in ClinVar (Variation ID#: 188931) and has been interpreted as pathogenic or likely pathogenic by multiple sources. Of the 6 affected individuals, 4 were compound heterozygotes that carried a reported pathogenic variant in trans, which increases the likelihood that the p.Asp1471Asn variant is pathogenic (Variation ID: 996301; PMID: 30186238, 18988933, 14764815, 17378627). In vitro functional studies provide some evidence that the p.Asp1471Asn variant may slightly impact protein function (PMID: 17466004). However, these types of assays may not accurately represent biological function. Computational prediction tools and conservation analyses suggest that this variant may impact the protein, though this information is not predictive enough to determine pathogenicity. One additional pathogenic variant, resulting in a different amino acid change at the same position, p.Asp1471His, has been reported in association with disease in ClinVar, supporting that a change at this position may not be tolerated (Variation ID: 1452717). In summary, this variant meets criteria to be classified as pathogenic for autosomal recessive hyperinsulinemic hypoglycemia. ACMG/AMP Criteria applied: PM3_very-strong, PM5, PP3, PS3_supporting, PP2_supporting (Richards 2015).

NM_000352.6(ABCC8):c.4411G>A (p.Asp1471Asn)

Gene: ABCC8 (ATP binding cassette subfamily C member 8; minus strand). Cytogenetic location: 11p15.1.
Variant type: single nucleotide variant.
Coding change: c.4411G>A on transcript NM_000352.6 (MANE Select); coding-DNA position 4411, G replaced by A.
Protein change: p.Asp1471Asn; replaces aspartic acid 1471 with asparagine.
Molecular consequence: missense variant. On other transcripts: non-coding transcript variant (1).
Genome position (GRCh38, 1-based): chr11:17,395,172, C>T on the plus strand (G>A on the coding strand, the complement: ABCC8 is on the minus strand). VCF-style: chr11-17395172-C-T. GRCh37 (hg19) VCF-style: chr11-17416719-C-T.
Other names: NM_000352.6(ABCC8):c.4411G>A; p.Asp1471Asn; c.4414G>A, p.Asp1472Asn (NM_001287174.3); c.4477G>A, p.Asp1493Asn (NM_001351295.2); c.4411G>A, p.Asp1471Asn (NM_001351296.2); c.4408G>A, p.Asp1470Asn (NM_001351297.2); short protein forms D1471N, D1472N, D1493N, D1470N.
Identifiers: ClinVar variation 188931 (VCV000188931.26), dbSNP rs72559716, ClinGen allele CA274147.